The following is an entry in ClinVar:

ClinVar aggregate classification (germline): Uncertain significance (1 of 4 stars; one submission).

Conditions:
Pontocerebellar hypoplasia type 6 (PCH6). Identifiers: Orphanet 166073, MedGen C1969084, MONDO:0012683, OMIM 611523.

Submission:

3billion
Classification: Uncertain significance for Pontocerebellar hypoplasia type 6. Last evaluated: 2025-07-16. Review status: criteria provided, single submitter. Criteria: ACMG Guidelines, 2015. Collection method: clinical testing. Allele origin: germline. Affected: yes.
Comment: The variant is not observed in the gnomAD v4.1.0 dataset. Predicted Consequence/Location: Intron variant In silico tools predict the variant to alter splicing and produce an abnormal transcript [SpliceAI: 0.66 (>=0.2, moderate evidence for spliceogenicity)]. Therefore, this variant is classified as VUS according to the recommendation of ACMG/AMP guideline.

NM_020320.5(RARS2):c.878+13T>G

Gene: RARS2 (arginyl-tRNA synthetase 2, mitochondrial; minus strand). Cytogenetic location: 6q15.
Variant type: single nucleotide variant.
Coding change: c.878+13T>G on transcript NM_020320.5 (MANE Select); 13 bases into the intron after coding-DNA position 878, T replaced by G.
Molecular consequence: intron variant.
Genome position (GRCh38, 1-based): chr6:87,529,529, A>C on the plus strand (T>G on the coding strand, the complement: RARS2 is on the minus strand). VCF-style: chr6-87529529-A-C. GRCh37 (hg19) VCF-style: chr6-88239247-A-C.
Other names: c.878+13T>G (NM_001350505.2); c.353+13T>G (NM_001350509.2, NM_001318785.2, NM_001350506.2 and 4 more transcripts).
Identifiers: ClinVar variation 4853881 (VCV004853881.1).